The following is an entry in ClinVar:

NM_139285.4(GAS2L2):c.1621G>A (p.Val541Ile)

Gene: GAS2L2 (growth arrest specific 2 like 2; minus strand). Cytogenetic location: 17q12.
Variant type: single nucleotide variant.
Coding change: c.1621G>A on transcript NM_139285.4 (MANE Select); coding-DNA position 1621, G replaced by A.
Protein change: p.Val541Ile; replaces valine 541 with isoleucine.
Molecular consequence: missense variant.
Genome position (GRCh38, 1-based): chr17:35,745,876, C>T on the plus strand (G>A on the coding strand, the complement: GAS2L2 is on the minus strand). VCF-style: chr17-35745876-C-T. GRCh37 (hg19) VCF-style: chr17-34072895-C-T.
Other names: short protein forms V541I.
Identifiers: ClinVar variation 252783 (VCV000252783.6), dbSNP rs145313062, ClinGen allele CA8506020.
Genomic context (GRCh38, chr17:35,745,876, plus strand): 5'-CCTCCTGCCTCACTTCCACAGAGCAGTCCCCATGCGTGGACCCAGCCAGGTCCACAGTGA[C>T]GGCCCTTAGTGGGATGGGGTCTCTCCCAAGTTCTGTCCTGGGACTTCCACTTGTAGCACC-3'
Protein context (NP_644814.1, residues 531-551): LGRDPIPLRA[Val541Ile]TVDLAGSTHG

ClinVar aggregate classification (germline): Conflicting classifications of pathogenicity. Review status: criteria provided, conflicting classifications (1 of 4 stars). 4 submissions from 4 submitters: Uncertain significance (2); Benign (1). 1 of the submissions does not count toward it. Last evaluated 2024-11-27.

Conditions:
GAS2L2-related disorder. Also called: GAS2L2-related condition.

Allele frequency attached by ClinVar (database versions not stated): gnomAD exomes 0.00027 and 0.00059; 1000 Genomes Project 30x 0.00062; ExAC 0.00072; 1000 Genomes Project 0.00080; gnomAD 0.00166 and 0.00182; TOPMed 0.00219; ESP Exome Variant Server 0.00292.

Submissions (4):

Blueprint Genetics
Classification: Benign. Last evaluated: 2024-11-27. Review status: criteria provided, single submitter. Criteria: ACMG Guidelines, 2015. Collection method: clinical testing. Allele origin: germline.

Genomic Diagnostic Laboratory, Division of Genomic Diagnostics, Children's Hospital of Philadelphia
Classification: Uncertain significance. Last evaluated: 2015-10-30. Review status: criteria provided, single submitter. Criteria: DGD Variant Analysis Guidelines. Collection method: clinical testing. Allele origin: unknown.

Breakthrough Genomics
Classification: Uncertain significance. Review status: criteria provided, single submitter. Criteria: ACMG Guidelines, 2015. Collection method: not provided. Allele origin: germline. Inheritance: Autosomal recessive inheritance. Affected: yes.

PreventionGenetics, part of Exact Sciences
Classification: Likely benign for GAS2L2-related condition. Last evaluated: 2022-12-27. Review status: no assertion criteria provided. Collection method: clinical testing. Allele origin: germline. Not counted in ClinVar's aggregate classification.
Comment: This variant is classified as likely benign based on ACMG/AMP sequence variant interpretation guidelines (Richards et al. 2015 PMID: 25741868, with internal and published modifications).